The following is an entry in ClinVar:

NM_199420.4(POLQ):c.2509G>C (p.Val837Leu)

Gene: POLQ (DNA polymerase theta; minus strand). Cytogenetic location: 3q13.33.
Variant type: single nucleotide variant.
Coding change: c.2509G>C on transcript NM_199420.4 (MANE Select); coding-DNA position 2509, G replaced by C.
Protein change: p.Val837Leu; replaces valine 837 with leucine.
Molecular consequence: missense variant.
Genome position (GRCh38, 1-based): chr3:121,493,491, C>G on the plus strand (G>C on the coding strand, the complement: POLQ is on the minus strand). VCF-style: chr3-121493491-C-G. GRCh37 (hg19) VCF-style: chr3-121212338-C-G.
Other names: short protein forms V837L.
Identifiers: ClinVar variation 3229885 (VCV003229885.1), dbSNP rs2048088128, ClinGen allele CA354107202.

ClinVar aggregate classification (germline): Uncertain significance (1 of 4 stars; one submission).

Submission:

Ambry Genetics
Classification: Uncertain significance. Last evaluated: 2024-02-22. Review status: criteria provided, single submitter. Criteria: Ambry Variant Classification Scheme 2023. Collection method: clinical testing. Allele origin: germline.
Comment: The p.V837L variant (also known as c.2509G>C), located in coding exon 15 of the POLQ gene, results from a G to C substitution at nucleotide position 2509. The valine at codon 837 is replaced by leucine, an amino acid with highly similar properties. This amino acid position is conserved. In addition, this alteration is predicted to be tolerated by in silico analysis. Based on the available evidence, the clinical significance of this alteration remains unclear.